The following is an entry in ClinVar:

NM_022356.4(P3H1):c.2055+74T>A

Gene: P3H1 (prolyl 3-hydroxylase 1; minus strand). Cytogenetic location: 1p34.2.
Variant type: single nucleotide variant.
Coding change: c.2055+74T>A on transcript NM_022356.4 (MANE Select); 74 bases into the intron after coding-DNA position 2055, T replaced by A.
Molecular consequence: intron variant. On other transcripts: missense variant (1).
Genome position (GRCh38, 1-based): chr1:42,747,198, A>T on the plus strand (T>A on the coding strand, the complement: P3H1 is on the minus strand). VCF-style: chr1-42747198-A-T. GRCh37 (hg19) VCF-style: chr1-43212869-A-T.
Other names: c.2129T>A, p.Phe710Tyr (NM_001243246.2); c.2074+55T>A (NM_001146289.2); short protein forms F710Y.
Identifiers: ClinVar variation 674902 (VCV000674902.3), dbSNP rs3738496, ClinGen allele CA801584.

ClinVar aggregate classification (germline): Benign. Review status: criteria provided, multiple submitters, no conflicts (2 of 4 stars). 3 submissions from 3 submitters: Benign (3). Last evaluated 2024-11-26.

Allele frequency attached by ClinVar (database versions not stated): gnomAD 0.11106 and 0.11033; TOPMed 0.11891; 1000 Genomes Project 30x 0.11914; 1000 Genomes Project 0.12101; ESP Exome Variant Server 0.10526.
gnomAD v4.1: 186,121 of 1,614,114 alleles (12%); highest among the groups gnomAD compares: East Asian, 25%; 11,760 homozygotes.

Submissions (3):

Blueprint Genetics
Classification: Benign. Last evaluated: 2024-11-26. Review status: criteria provided, single submitter. Criteria: ACMG Guidelines, 2015. Collection method: clinical testing. Allele origin: germline.

GeneDx
Classification: Benign. Last evaluated: 2018-06-14. Review status: criteria provided, single submitter. Criteria: GeneDx Variant Classification (06012015). Collection method: clinical testing. Allele origin: germline. Affected: yes.
Comment: This variant is considered likely benign or benign based on one or more of the following criteria: it is a conservative change, it occurs at a poorly conserved position in the protein, it is predicted to be benign by multiple in silico algorithms, and/or has population frequency not consistent with disease.

Breakthrough Genomics
Classification: Benign. Review status: criteria provided, single submitter. Criteria: ACMG Guidelines, 2015. Collection method: not provided. Allele origin: germline. Inheritance: Autosomal recessive inheritance. Affected: yes.